The following is an entry in ClinVar:

NM_000432.4(MYL2):c.135C>A (p.Asp45Glu)

Gene: MYL2 (myosin light chain 2; minus strand). Cytogenetic location: 12q24.11.
Variant type: single nucleotide variant.
Coding change: c.135C>A on transcript NM_000432.4 (MANE Select); coding-DNA position 135, C replaced by A.
Protein change: p.Asp45Glu; replaces aspartic acid 45 with glutamic acid.
Molecular consequence: missense variant.
Genome position (GRCh38, 1-based): chr12:110,915,749, G>T on the plus strand (C>A on the coding strand, the complement: MYL2 is on the minus strand). VCF-style: chr12-110915749-G-T. GRCh37 (hg19) VCF-style: chr12-111353553-G-T.
Other names: short protein forms D45E.
Identifiers: ClinVar variation 1500016 (VCV001500016.10), dbSNP rs199474807, ClinGen allele CA386699338.

ClinVar aggregate classification (germline): Uncertain significance. Review status: criteria provided, multiple submitters, no conflicts (2 of 4 stars). 2 submissions from 2 submitters: Uncertain significance (2). Last evaluated 2025-05-21.

Conditions:
Cardiomyopathy (CMYO). Also called: Cardiomyopathies. Identifiers: Orphanet 167848, MedGen C0878544, MONDO:0004994, HP:0001638. Inheritance: Various modes of inheritance.
Hypertrophic cardiomyopathy 10. Also called: MYL2-Related Familial Hypertrophic Cardiomyopathy; CARDIOMYOPATHY, HYPERTROPHIC, MID-LEFT VENTRICULAR CHAMBER TYPE, 2. Identifiers: MedGen C1834460, MONDO:0012112, OMIM 608758.

gnomAD v4.1: 1 of 1,614,048 alleles (0.000062%); highest among the groups gnomAD compares: African/African-American, 0.0013%; no homozygotes.

Submissions (2):

Labcorp Genetics (formerly Invitae), Labcorp
Classification: Uncertain significance for Hypertrophic cardiomyopathy 10. Last evaluated: 2025-05-21. Review status: criteria provided, single submitter. Criteria: Invitae Variant Classification Sherloc (09022015). Collection method: clinical testing. Allele origin: germline.
Comment: This sequence change replaces aspartic acid, which is acidic and polar, with glutamic acid, which is acidic and polar, at codon 45 of the MYL2 protein (p.Asp45Glu). This variant is not present in population databases (gnomAD no frequency). This variant has not been reported in the literature in individuals affected with MYL2-related conditions. ClinVar contains an entry for this variant (Variation ID: 1500016). An algorithm developed to predict the effect of missense changes on protein structure and function (PolyPhen-2) suggests that this variant is likely to be disruptive. In summary, the available evidence is currently insufficient to determine the role of this variant in disease. Therefore, it has been classified as a Variant of Uncertain Significance.

Color Diagnostics, LLC DBA Color Health
Classification: Uncertain significance for Cardiomyopathy. Last evaluated: 2024-03-06. Review status: criteria provided, single submitter. Criteria: ACMG Guidelines, 2015. Collection method: clinical testing. Allele origin: germline.
Comment: This missense variant replaces aspartic acid with glutamic acid at codon 45 of the MYL2 protein. Computational prediction suggests that this variant may not impact protein structure and function (internally defined REVEL score threshold <= 0.5, PMID: 27666373). To our knowledge, functional studies have not been reported for this variant. This variant has not been reported in individuals affected with cardiovascular disorders in the literature. This variant has not been identified in the general population by the Genome Aggregation Database (gnomAD). The available evidence is insufficient to determine the role of this variant in disease conclusively. Therefore, this variant is classified as a Variant of Uncertain Significance.